The following is an entry in ClinVar:

ClinVar aggregate classification (germline): Uncertain significance (1 of 4 stars; one submission).

Submission:

Labcorp Genetics (formerly Invitae), Labcorp
Classification: Uncertain significance. Last evaluated: 2022-11-22. Review status: criteria provided, single submitter. Criteria: Invitae Variant Classification Sherloc (09022015). Collection method: clinical testing. Allele origin: germline.
Comment: Algorithms developed to predict the effect of missense changes on protein structure and function output the following: SIFT: "Tolerated"; PolyPhen-2: "Benign"; Align-GVGD: "Class C0". The glycine amino acid residue is found in multiple mammalian species, which suggests that this missense change does not adversely affect protein function. In summary, the available evidence is currently insufficient to determine the role of this variant in disease. Therefore, it has been classified as a Variant of Uncertain Significance. ClinVar contains an entry for this variant (Variation ID: 1368505). This variant has not been reported in the literature in individuals affected with PDE6C-related conditions. This variant is not present in population databases (gnomAD no frequency). This sequence change replaces glutamic acid, which is acidic and polar, with glycine, which is neutral and non-polar, at codon 838 of the PDE6C protein (p.Glu838Gly).

NM_006204.4(PDE6C):c.2513A>G (p.Glu838Gly)

Gene: PDE6C (phosphodiesterase 6C; plus strand). Cytogenetic location: 10q23.33.
Variant type: single nucleotide variant.
Coding change: c.2513A>G on transcript NM_006204.4 (MANE Select); coding-DNA position 2513, A replaced by G.
Protein change: p.Glu838Gly; replaces glutamic acid 838 with glycine.
Molecular consequence: missense variant.
Genome position (GRCh38, 1-based): chr10:93,663,173, A>G. VCF-style: chr10-93663173-A-G. GRCh37 (hg19) VCF-style: chr10-95422930-A-G.
Other names: short protein forms E838G.
Identifiers: ClinVar variation 1368505 (VCV001368505.8), dbSNP rs2133879797, ClinGen allele CA377629767.